The following is an entry in ClinVar:

NM_194248.3(OTOF):c.927G>A (p.Pro309=)

Gene: OTOF (otoferlin; minus strand). Cytogenetic location: 2p23.3.
Variant type: single nucleotide variant.
Coding change: c.927G>A on transcript NM_194248.3 (MANE Select); coding-DNA position 927, G replaced by A.
Protein change: p.Pro309=; no amino-acid change (proline 309 retained).
Molecular consequence: synonymous variant.
Genome position (GRCh38, 1-based): chr2:26,489,711, C>T on the plus strand (G>A on the coding strand, the complement: OTOF is on the minus strand). VCF-style: chr2-26489711-C-T. GRCh37 (hg19) VCF-style: chr2-26712579-C-T.
Other names: c.927G>A, p.Pro309= (NM_001287489.2).
Identifiers: ClinVar variation 5009055 (VCV005009055.1).

ClinVar aggregate classification (germline): Uncertain significance (1 of 4 stars; one submission).

gnomAD v4.1: 16 of 1,612,988 alleles (0.00099%); highest among the groups gnomAD compares: Middle Eastern, 0.033%; no homozygotes.

Submission:

GeneDx
Classification: Uncertain significance. Last evaluated: 2026-03-12. Review status: criteria provided, single submitter. Criteria: GeneDx Variant Classification Process June 2021. Collection method: clinical testing. Allele origin: germline.
Comment: In silico analysis supports a deleterious effect on splicing; Has not been previously published as pathogenic or benign to our knowledge